The following is an entry in ClinVar:

NM_001122630.2(CDKN1C):c.559C>T (p.Pro187Ser)

Gene: CDKN1C (cyclin dependent kinase inhibitor 1C; minus strand). Cytogenetic location: 11p15.4.
Variant type: single nucleotide variant.
Coding change: c.559C>T on transcript NM_001122630.2 (MANE Select); coding-DNA position 559, C replaced by T.
Protein change: p.Pro187Ser; replaces proline 187 with serine.
Molecular consequence: missense variant. On other transcripts: intron variant (1).
Genome position (GRCh38, 1-based): chr11:2,884,898, G>A on the plus strand (C>T on the coding strand, the complement: CDKN1C is on the minus strand). VCF-style: chr11-2884898-G-A. GRCh37 (hg19) VCF-style: chr11-2906128-G-A.
Other names: c.559C>T, p.Pro187Ser (NM_001122631.2); c.592C>T, p.Pro198Ser (NM_001362474.2, NM_000076.2); c.255+304C>T (NM_001362475.2); short protein forms P187S, P198S.
Identifiers: ClinVar variation 2763791 (VCV002763791.3), dbSNP rs2494386178, ClinGen allele CA379146377.

ClinVar aggregate classification (germline): Uncertain significance (1 of 4 stars; one submission).

Conditions:
Beckwith-Wiedemann syndrome (BWS). Also called: EMG SYNDROME; Exomphalos macroglossia gigantism syndrome. Identifiers: Orphanet 116, MedGen C0004903, MONDO:0007534, OMIM 130650.

Submission:

Labcorp Genetics (formerly Invitae), Labcorp
Classification: Uncertain significance for Beckwith-Wiedemann syndrome. Last evaluated: 2023-09-27. Review status: criteria provided, single submitter. Criteria: Invitae Variant Classification Sherloc (09022015). Collection method: clinical testing. Allele origin: germline.
Comment: In summary, the available evidence is currently insufficient to determine the role of this variant in disease. Therefore, it has been classified as a Variant of Uncertain Significance. Advanced modeling of protein sequence and biophysical properties (such as structural, functional, and spatial information, amino acid conservation, physicochemical variation, residue mobility, and thermodynamic stability) performed at Invitae indicates that this missense variant is not expected to disrupt CDKN1C protein function. This variant has not been reported in the literature in individuals affected with CDKN1C-related conditions. The frequency data for this variant in the population databases is considered unreliable, as metrics indicate insufficient coverage at this position in the gnomAD database. This sequence change replaces proline, which is neutral and non-polar, with serine, which is neutral and polar, at codon 198 of the CDKN1C protein (p.Pro198Ser).